The following is an entry in ClinVar:

ClinVar aggregate classification (germline): Uncertain significance. Review status: criteria provided, multiple submitters, no conflicts (2 of 4 stars). 3 submissions from 3 submitters: Uncertain significance (3). Last evaluated 2025-11-08.

Conditions:
Hereditary spastic paraplegia. Also called: Familial spastic paraparesis. Identifiers: Orphanet 685, MedGen C0037773, MONDO:0019064. Disease mechanism: loss of function.

Allele frequency attached by ClinVar (database versions not stated): gnomAD exomes below 0.00001.
gnomAD v4.1: 5 of 1,607,788 alleles (0.00031%); highest among the groups gnomAD compares: South Asian, 0.0055%; no homozygotes.

Submissions (3):

Mayo Clinic Laboratories, Mayo Clinic
Classification: Uncertain significance. Last evaluated: 2025-11-08. Review status: criteria provided, single submitter. Criteria: ACMG Guidelines, 2015. Collection method: clinical testing. Allele origin: germline. Observed: 1 variant allele.
Comment: PM2_supporting

Ambry Genetics
Classification: Uncertain significance. Last evaluated: 2022-03-16. Review status: criteria provided, single submitter. Criteria: Ambry Variant Classification Scheme 2023. Collection method: clinical testing. Allele origin: germline.

Genome Diagnostics Laboratory, The Hospital for Sick Children
Classification: Uncertain significance for Hereditary spastic paraplegia. Last evaluated: 2018-02-01. Review status: criteria provided, single submitter. Criteria: ACMG Guidelines, 2015. Collection method: clinical testing. Allele origin: germline. Affected: yes.

NM_016630.7(SPG21):c.304A>G (p.Lys102Glu)

Gene: SPG21 (SPG21 abhydrolase domain containing, maspardin; minus strand). Cytogenetic location: 15q22.31.
Variant type: single nucleotide variant.
Coding change: c.304A>G on transcript NM_016630.7 (MANE Select); coding-DNA position 304, A replaced by G.
Protein change: p.Lys102Glu; replaces lysine 102 with glutamic acid.
Molecular consequence: missense variant. On other transcripts: intron variant (1).
Genome position (GRCh38, 1-based): chr15:64,976,477, T>C on the plus strand (A>G on the coding strand, the complement: SPG21 is on the minus strand). VCF-style: chr15-64976477-T-C. GRCh37 (hg19) VCF-style: chr15-65268815-T-C.
Other names: p.Lys102Glu; c.304A>G, p.Lys102Glu (NM_001127889.5); c.226-1730A>G (NM_001127890.5); c.304A>G (NM_016630.3); short protein forms K102E.
Identifiers: ClinVar variation 1344115 (VCV001344115.7), dbSNP rs2140431580, ClinGen allele CA392871719.